The following is an entry in ClinVar:

NM_015272.5(RPGRIP1L):c.2874+3_2874+6del

Gene: RPGRIP1L (RPGRIP1 like; minus strand). Cytogenetic location: 16q12.2.
Variant type: Deletion.
Coding change: c.2874+3_2874+6del on transcript NM_015272.5 (MANE Select); bases 3 to 6 of the intron after coding-DNA position 2874, 4 bases deleted (GAGT; older notation c.2874+3_2874+6delGAGT).
Molecular consequence: splice donor variant.
Genome position (GRCh38, 1-based): chr16:53,641,279-53,641,282, ACTC deleted on the plus strand (GAGT on the coding strand, the reverse complement: RPGRIP1L is on the minus strand); deleting any 4 consecutive bases within chr16:53,641,279-53,641,285 gives the same sequence; the c. name uses the placement nearest the transcript's 3' end. VCF-style (leftmost placement, unchanged base first): chr16-53641278-TACTC-T. GRCh37 (hg19) VCF-style: chr16-53675190-TACTC-T.
Other names: c.2874+3_2874+6del (NM_001127897.4, NM_001330538.2, NM_001308334.3).
Identifiers: ClinVar variation 1704698 (VCV001704698.3), dbSNP rs756714049, ClinGen allele CA8057443.

ClinVar aggregate classification (germline): Uncertain significance. Review status: criteria provided, multiple submitters, no conflicts (2 of 4 stars). 2 submissions from 2 submitters: Uncertain significance (2). Last evaluated 2022-09-07.

Submissions (2):

GeneDx
Classification: Uncertain significance. Last evaluated: 2022-09-07. Review status: criteria provided, single submitter. Criteria: GeneDx Variant Classification Process June 2021. Collection method: clinical testing. Allele origin: germline. Affected: yes.
Comment: Intronic +5 splice site variant in a gene for which loss of function is a known mechanism of disease, and splice predictors support a deleterious effect; Has not been previously published as pathogenic or benign to our knowledge

Blueprint Genetics
Classification: Uncertain significance. Last evaluated: 2022-01-20. Review status: criteria provided, single submitter. Criteria: ACMG Guidelines, 2015. Collection method: clinical testing. Allele origin: germline.